The following is an entry in ClinVar:

NM_004360.5(CDH1):c.583C>T (p.Gln195Ter)

Gene: CDH1 (cadherin 1; plus strand). Cytogenetic location: 16q22.1.
Variant type: single nucleotide variant.
Coding change: c.583C>T on transcript NM_004360.5 (MANE Select); coding-DNA position 583, C replaced by T.
Protein change: p.Gln195Ter; replaces glutamine 195 with a stop codon.
Molecular consequence: nonsense. On other transcripts: 5 prime UTR variant (2).
Genome position (GRCh38, 1-based): chr16:68,808,744, C>T. VCF-style: chr16-68808744-C-T. GRCh37 (hg19) VCF-style: chr16-68842647-C-T.
Other names: c.583C>T, p.Gln195Ter (NM_001317184.2); c.-1033C>T (NM_001317185.2); c.-1237C>T (NM_001317186.2); short protein forms Q195*.
Identifiers: ClinVar variation 987066 (VCV000987066.4), dbSNP rs1960737851, ClinGen allele CA396457954.

ClinVar aggregate classification (germline): Pathogenic. Review status: criteria provided, multiple submitters, no conflicts (2 of 4 stars). 2 submissions from 2 submitters: Pathogenic (2). Last evaluated 2022-12-09.

Conditions:
Familial cancer of breast. Also called: BREAST CANCER, FAMILIAL; Hereditary breast cancer; hereditary breast carcinoma. Identifiers: Orphanet 227535, MedGen C0346153, MONDO:0016419, OMIM 114480. Disease mechanism: loss of function.

Submissions (2):

Centre for Mendelian Genomics, University Medical Centre Ljubljana
Classification: Pathogenic for Familial cancer of breast. Last evaluated: 2022-12-09. Review status: criteria provided, single submitter. Criteria: ACMG Guidelines, 2015. Collection method: research. Allele origin: germline. Affected: no.
Comment: PVS1, PS4_STR, PM2_SUP

Institute of Medical Genetics and Applied Genomics, University Hospital Tübingen
Classification: Pathogenic. Last evaluated: 2020-10-23. Review status: criteria provided, single submitter. Criteria: ACMG Guidelines, 2015. Collection method: clinical testing. Allele origin: germline. Inheritance: Unknown mechanism. Affected: yes.